The following is an entry in ClinVar:

ClinVar aggregate classification (germline): Uncertain significance (1 of 4 stars; one submission).

Submission:

Labcorp Genetics (formerly Invitae), Labcorp
Classification: Uncertain significance. Last evaluated: 2022-04-06. Review status: criteria provided, single submitter. Criteria: Invitae Variant Classification Sherloc (09022015). Collection method: clinical testing. Allele origin: germline.
Comment: In summary, the available evidence is currently insufficient to determine the role of this variant in disease. Therefore, it has been classified as a Variant of Uncertain Significance. Algorithms developed to predict the effect of missense changes on protein structure and function (SIFT, PolyPhen-2, Align-GVGD) all suggest that this variant is likely to be tolerated. This variant has not been reported in the literature in individuals affected with ABCC6-related conditions. This variant is not present in population databases (gnomAD no frequency). This sequence change replaces serine, which is neutral and polar, with asparagine, which is neutral and polar, at codon 1103 of the ABCC6 protein (p.Ser1103Asn).

NM_001171.6(ABCC6):c.3308G>A (p.Ser1103Asn)

Gene: ABCC6 (ATP binding cassette subfamily C member 6; minus strand). Cytogenetic location: 16p13.11.
Variant type: single nucleotide variant.
Coding change: c.3308G>A on transcript NM_001171.6 (MANE Select); coding-DNA position 3308, G replaced by A.
Protein change: p.Ser1103Asn; replaces serine 1103 with asparagine.
Molecular consequence: missense variant.
Genome position (GRCh38, 1-based): chr16:16,163,191, C>T on the plus strand (G>A on the coding strand, the complement: ABCC6 is on the minus strand). VCF-style: chr16-16163191-C-T. GRCh37 (hg19) VCF-style: chr16-16257048-C-T.
Other names: c.2966G>A, p.Ser989Asn (NM_001351800.1); short protein forms S1103N, S989N.
Identifiers: ClinVar variation 2122098 (VCV002122098.4), dbSNP rs2510963396, ClinGen allele CA394881711.
Genomic context (GRCh38, chr16:16,163,191, plus strand): 5'-ACAGACGAGTAGCTGGCTGACTCCAAGCGTCTCAGCTGGCATGAGCTAACCACATACAGG[C>T]TCTGAGAAGGATGGATGGGAGAGGGAAGAGGAGAAGCCACAGACATAGAGAGGTAGTTTC-3'
Protein context (NP_001162.5, residues 1093-1113): PLFLLYAGFQ[Ser1103Asn]LYVVSSCQLR